The following is an entry in ClinVar:

NM_003482.4(KMT2D):c.16211C>T (p.Ser5404Phe)

Gene: KMT2D (lysine methyltransferase 2D; minus strand). Cytogenetic location: 12q13.12.
Variant type: single nucleotide variant.
Coding change: c.16211C>T on transcript NM_003482.4 (MANE Select); coding-DNA position 16211, C replaced by T.
Protein change: p.Ser5404Phe; replaces serine 5404 with phenylalanine.
Molecular consequence: missense variant.
Genome position (GRCh38, 1-based): chr12:49,022,717, G>A on the plus strand (C>T on the coding strand, the complement: KMT2D is on the minus strand). VCF-style: chr12-49022717-G-A. GRCh37 (hg19) VCF-style: chr12-49416500-G-A.
Other names: short protein forms S5404F.
Identifiers: ClinVar variation 3257961 (VCV003257961.3).

ClinVar aggregate classification (germline): Uncertain significance (1 of 4 stars; one submission).
ClinVar aggregate classification (oncogenicity): Uncertain significance (1 of 4 stars; one submission).

Conditions:
Kabuki syndrome 1 (KABUK1). Also called: KMT2D-Related Kabuki Syndrome. Identifiers: Orphanet 2322, MedGen CN030661, MONDO:0007843, OMIM 147920.
Neoplasm. Also called: tumor; Neoplasms; Neoplasm (disease). Identifiers: MedGen C0027651, MeSH D009369, MONDO:0005070, HP:0002664.

Submissions (2):

Center for Genomic Medicine, Rigshospitalet, Copenhagen University Hospital
Classification: Uncertain significance for Neoplasm. Last evaluated: 2025-03-04. Review status: criteria provided, single submitter. Criteria: ClinGen/CGC/VICC Guidelines for Oncogenicity, 2022. Collection method: clinical testing. Allele origin: somatic. Affected: yes.

3billion
Classification: Uncertain significance for Kabuki syndrome 1. Last evaluated: 2023-12-11. Review status: criteria provided, single submitter. Criteria: ACMG Guidelines, 2015. Collection method: clinical testing. Allele origin: germline. Affected: yes.
Comment: The variant is not observed in the gnomAD v2.1.1 dataset. Predicted Consequence/Location: The majority of the known disease-causing variants of this gene are variants expected to result in premature termination of the protein. Premature termination of the protein is a common disease-causing mechanism for this gene. In silico tool predictions suggest damaging effect of the variant on gene or gene product [REVEL: 0.92 (>=0.6, sensitivity 0.68 and specificity 0.92); 3Cnet: 0.85 (>=0.6, sensitivity 0.72 and precision 0.9)]. Therefore, this variant is classified as VUS according to the recommendation of ACMG/AMP guideline.